The following is an entry in ClinVar:

ClinVar aggregate classification (germline): Uncertain significance (1 of 4 stars; one submission).

Conditions:
Autosomal dominant limb-girdle muscular dystrophy type 1F (LGMDD2). Also called: Limb-girdle muscular dystrophy, type 1F; MUSCULAR DYSTROPHY, LIMB-GIRDLE, AUTOSOMAL DOMINANT 2. Identifiers: Orphanet 55595, MedGen C1842062, MONDO:0012034, OMIM 608423.

Allele frequency attached by ClinVar (database versions not stated): gnomAD exomes below 0.00001.
gnomAD v4.1: 1 of 1,614,100 alleles (0.000062%); highest among the groups gnomAD compares: Admixed American, 0.0017%; no homozygotes.

Submission:

Labcorp Genetics (formerly Invitae), Labcorp
Classification: Uncertain significance for Autosomal dominant limb-girdle muscular dystrophy type 1F. Last evaluated: 2024-04-01. Review status: criteria provided, single submitter. Criteria: Invitae Variant Classification Sherloc (09022015). Collection method: clinical testing. Allele origin: germline.
Comment: This sequence change replaces cysteine, which is neutral and slightly polar, with tyrosine, which is neutral and polar, at codon 634 of the TNPO3 protein (p.Cys634Tyr). This variant is present in population databases (no rsID available, gnomAD 0.003%). This variant has not been reported in the literature in individuals affected with TNPO3-related conditions. ClinVar contains an entry for this variant (Variation ID: 2130784). Advanced modeling of protein sequence and biophysical properties (such as structural, functional, and spatial information, amino acid conservation, physicochemical variation, residue mobility, and thermodynamic stability) performed at Invitae indicates that this missense variant is not expected to disrupt TNPO3 protein function with a negative predictive value of 80%. In summary, the available evidence is currently insufficient to determine the role of this variant in disease. Therefore, it has been classified as a Variant of Uncertain Significance.

NM_012470.4(TNPO3):c.1901G>A (p.Cys634Tyr)

Gene: TNPO3 (transportin 3; minus strand). Cytogenetic location: 7q32.1.
Variant type: single nucleotide variant.
Coding change: c.1901G>A on transcript NM_012470.4 (MANE Select); coding-DNA position 1901, G replaced by A.
Protein change: p.Cys634Tyr; replaces cysteine 634 with tyrosine.
Molecular consequence: missense variant. On other transcripts: non-coding transcript variant (14).
Genome position (GRCh38, 1-based): chr7:128,979,990, C>T on the plus strand (G>A on the coding strand, the complement: TNPO3 is on the minus strand). VCF-style: chr7-128979990-C-T. GRCh37 (hg19) VCF-style: chr7-128620044-C-T.
Other names: c.1709G>A, p.Cys570Tyr (NM_001191028.3, NM_001382223.1); c.2003G>A, p.Cys668Tyr (NM_001382216.1); c.1982G>A, p.Cys661Tyr (NM_001382217.1); c.1901G>A, p.Cys634Tyr (NM_001382218.1, NM_001382220.1); c.1793G>A, p.Cys598Tyr (NM_001382219.1); c.1757G>A, p.Cys586Tyr (NM_001382221.1); c.1754G>A, p.Cys585Tyr (NM_001382222.1); short protein forms C585Y, C586Y, C570Y, C661Y, C598Y, C668Y, C634Y.
Identifiers: ClinVar variation 2130784 (VCV002130784.4), dbSNP rs1421349497, ClinGen allele CA369222444.